The following is an entry in ClinVar:

ClinVar aggregate classification (germline): Conflicting classifications of pathogenicity. Review status: criteria provided, conflicting classifications (1 of 4 stars). 7 submissions from 7 submitters: Uncertain significance (3); Likely benign (2). 2 of the submissions do not count toward it. Last evaluated 2026-04-29.

Conditions:
PHGDH-related disorder. Also called: PHGDH-related condition.
PHGDH deficiency. Identifiers: Orphanet 79351, MedGen C1866174, MONDO:0011152, OMIM 601815.
Neu-Laxova syndrome 1 (NLS1). Identifiers: Orphanet 2671, Orphanet 583607, MedGen C4551478, MONDO:0009736, OMIM 256520. Disease mechanism: loss of function.

Allele frequency attached by ClinVar (database versions not stated): 1000 Genomes Project 30x 0.00047; 1000 Genomes Project 0.00060; gnomAD 0.00083; ESP Exome Variant Server 0.00115; TOPMed 0.00115.
gnomAD v4.1: 2,328 of 1,614,216 alleles (0.14%); highest among the groups gnomAD compares: Non-Finnish European, 0.18%; 5 homozygotes.

Submissions (10):

GeneDx
Classification: Uncertain significance. Last evaluated: 2026-04-29. Review status: criteria provided, single submitter. Criteria: GeneDx Variant Classification Process June 2021. Collection method: clinical testing. Allele origin: germline.
Comment: Reported previously as a heterozygous variant in a patient with macular telangiectasia type 2; however, this patient also had other genetic variations that could be contributing to the phenotype (PMID: 37115691); Reported previously in patients with macular telangiectasia type 2; however, no c. or further clinical information was provided (PMID: 39191258); Published functional studies demonstrate a damaging effect and show that this variant impairs gene function reducing serine/glycine synthesis and increasing deoxysphingolipid synthesis consistent with macular telangiectasia type 2 (PMID: 33758422); In silico analysis supports that this missense variant has a deleterious effect on protein structure/function; This variant is associated with the following publications: (PMID: 33758422, 37115691, 39191258)

Labcorp Genetics (formerly Invitae), Labcorp
Classification: Likely benign for PHGDH deficiency. Last evaluated: 2026-01-28. Review status: criteria provided, single submitter. Criteria: Invitae Variant Classification Sherloc (09022015). Collection method: clinical testing. Allele origin: germline.

Athena Diagnostics
Classification: Likely benign. Last evaluated: 2024-09-26. Review status: criteria provided, single submitter. Criteria: Athena Diagnostics Criteria. Collection method: clinical testing. Allele origin: unknown.

Knight Diagnostic Laboratories, Oregon Health and Sciences University
Classification: Uncertain significance for Neu-Laxova syndrome 1. Last evaluated: 2019-06-19. Review status: criteria provided, single submitter. Criteria: ACMG Guidelines, 2015. Collection method: clinical testing. Allele origin: germline. Observed: 1 variant allele.

Illumina Laboratory Services, Illumina
Classification: Uncertain significance for PHGDH deficiency. Last evaluated: 2018-01-13. Review status: criteria provided, single submitter. Criteria: ICSL Variant Classification Criteria 13 December 2019. Collection method: clinical testing. Allele origin: germline.

PreventionGenetics, part of Exact Sciences
Classification: Likely benign for PHGDH-related condition. Last evaluated: 2022-09-07. Review status: no assertion criteria provided. Collection method: clinical testing. Allele origin: germline. Not counted in ClinVar's aggregate classification.
Comment: This variant is classified as likely benign based on ACMG/AMP sequence variant interpretation guidelines (Richards et al. 2015 PMID: 25741868, with internal and published modifications).

Natera, Inc.
Classification: Uncertain significance for Phosphoglycerate dehydrogenase deficiency. Last evaluated: 2019-11-11. Review status: no assertion criteria provided. Collection method: clinical testing. Allele origin: germline. Not counted in ClinVar's aggregate classification.

Dr. Peter K. Rogan Lab, Western University
No classification provided (evidence only). Condition: Clear cell carcinoma of kidney. Review status: no classification provided. Collection method: in vitro. Allele origin: not applicable. Functional consequence: retained intron. Not counted in ClinVar's aggregate classification.

Dr. Peter K. Rogan Lab, Western University
No classification provided (evidence only). Condition: Cervical cancer. Review status: no classification provided. Collection method: in vitro. Allele origin: not applicable. Functional consequence: skipped exon, retained intron. Not counted in ClinVar's aggregate classification.

Dr. Peter K. Rogan Lab, Western University
No classification provided (evidence only). Condition: Malignant tumor of esophagus. Review status: no classification provided. Collection method: in vitro. Allele origin: not applicable. Functional consequence: retained intron. Not counted in ClinVar's aggregate classification.

Literature cited by the submitters: PubMed 33758422 (cited by Athena Diagnostics); PubMed 37115691 (cited by Athena Diagnostics); PubMed 39191258 (cited by Athena Diagnostics).

NM_006623.4(PHGDH):c.682G>T (p.Gly228Trp)

Gene: PHGDH (phosphoglycerate dehydrogenase; plus strand). Cytogenetic location: 1p12.
Variant type: single nucleotide variant.
Coding change: c.682G>T on transcript NM_006623.4 (MANE Select); coding-DNA position 682, G replaced by T.
Protein change: p.Gly228Trp; replaces glycine 228 with tryptophan.
Molecular consequence: missense variant.
Genome position (GRCh38, 1-based): chr1:119,735,333, G>T. VCF-style: chr1-119735333-G-T. GRCh37 (hg19) VCF-style: chr1-120277956-G-T.
Other names: short protein forms G228W.
Identifiers: ClinVar variation 581769 (VCV000581769.23), dbSNP rs139063843, ClinGen allele CA1037217.